The following is an entry in ClinVar:

NM_005148.4(UNC119):c.217G>A (p.Gly73Ser)

Gene: UNC119 (unc-119 lipid binding chaperone; minus strand). Cytogenetic location: 17q11.2.
Variant type: single nucleotide variant.
Coding change: c.217G>A on transcript NM_005148.4 (MANE Select); coding-DNA position 217, G replaced by A.
Protein change: p.Gly73Ser; replaces glycine 73 with serine.
Molecular consequence: missense variant. On other transcripts: 5 prime UTR variant (1).
Genome position (GRCh38, 1-based): chr17:28,552,341, C>T on the plus strand (G>A on the coding strand, the complement: UNC119 is on the minus strand). VCF-style: chr17-28552341-C-T. GRCh37 (hg19) VCF-style: chr17-26879359-C-T.
Other names: c.-97G>A (NM_001330166.2); c.217G>A, p.Gly73Ser (NM_054035.2); short protein forms G73S.
Identifiers: ClinVar variation 969505 (VCV000969505.10), dbSNP rs900462989, ClinGen allele CA289107248.

ClinVar aggregate classification (germline): Uncertain significance. Review status: criteria provided, multiple submitters, no conflicts (2 of 4 stars). 2 submissions from 2 submitters: Uncertain significance (2). Last evaluated 2025-12-01.

Allele frequency attached by ClinVar (database versions not stated): gnomAD 0.00001 and 0.00002; gnomAD exomes 0.00001 and 0.00004; TOPMed 0.00001.
gnomAD v4.1: 56 of 1,535,782 alleles (0.0036%); highest among the groups gnomAD compares: Non-Finnish European, 0.0044%; no homozygotes.

Submissions (2):

Labcorp Genetics (formerly Invitae), Labcorp
Classification: Uncertain significance. Last evaluated: 2025-12-01. Review status: criteria provided, single submitter. Criteria: Invitae Variant Classification Sherloc (09022015). Collection method: clinical testing. Allele origin: germline.
Comment: This sequence change replaces glycine, which is neutral and non-polar, with serine, which is neutral and polar, at codon 73 of the UNC119 protein (p.Gly73Ser). The frequency data for this variant in the population databases is considered unreliable, as metrics indicate poor data quality at this position in the gnomAD database. This variant has not been reported in the literature in individuals affected with UNC119-related conditions. ClinVar contains an entry for this variant (Variation ID: 969505). An algorithm developed to predict the effect of missense changes on protein structure and function (PolyPhen-2) suggests that this variant is likely to be tolerated. In summary, the available evidence is currently insufficient to determine the role of this variant in disease. Therefore, it has been classified as a Variant of Uncertain Significance.

Ambry Genetics
Classification: Uncertain significance. Last evaluated: 2025-08-21. Review status: criteria provided, single submitter. Criteria: Ambry Variant Classification Scheme 2023. Collection method: clinical testing. Allele origin: germline.